The following is an entry in ClinVar:

ClinVar aggregate classification (germline): Likely benign (0 of 4 stars; one submission).

Conditions:
ATXN3-related disorder. Also called: ATXN3-related condition.

Allele frequency attached by ClinVar (database versions not stated): gnomAD 0.00035; ESP Exome Variant Server 0.00038; TOPMed 0.00044.

Submission:

PreventionGenetics, part of Exact Sciences
Classification: Likely benign for ATXN3-related condition. Last evaluated: 2022-05-16. Review status: no assertion criteria provided. Collection method: clinical testing. Allele origin: germline.
Comment: This variant is classified as likely benign based on ACMG/AMP sequence variant interpretation guidelines (Richards et al. 2015 PMID: 25741868, with internal and published modifications).

NM_004993.6(ATXN3):c.179C>T (p.Thr60Met)

Gene: ATXN3 (ataxin 3; minus strand). Cytogenetic location: 14q32.12.
Variant type: single nucleotide variant.
Coding change: c.179C>T on transcript NM_004993.6 (MANE Select); coding-DNA position 179, C replaced by T.
Protein change: p.Thr60Met; replaces threonine 60 with methionine.
Molecular consequence: missense variant. On other transcripts: non-coding transcript variant (13), intron variant (6).
Genome position (GRCh38, 1-based): chr14:92,096,684, G>A on the plus strand (C>T on the coding strand, the complement: ATXN3 is on the minus strand). VCF-style: chr14-92096684-G-A. GRCh37 (hg19) VCF-style: chr14-92563028-G-A.
Other names: c.179C>T, p.Thr60Met (NM_001127696.2, NM_001127697.3, NM_001164774.2 and 3 more transcripts); c.24+9845C>T (NM_001164782.2); c.25-7867C>T (NM_001164779.2); c.-217-3366C>T (NM_001164780.2); c.25-2853C>T (NM_001164781.2); c.25-547C>T (NM_001164777.2, NM_030660.5); short protein forms T60M.
Identifiers: ClinVar variation 3046399 (VCV003046399.2), dbSNP rs144506566, ClinGen allele CA7314751.